The following is an entry in ClinVar:

ClinVar aggregate classification (germline): Pathogenic (1 of 4 stars; one submission).

Conditions:
PRPH2-related disorder. Also called: PRPH2-related condition; PRPH2-related disorders. Identifiers: MedGen CN239395.

Submission:

Labcorp Genetics (formerly Invitae), Labcorp
Classification: Pathogenic for PRPH2-related disorder. Last evaluated: 2025-03-10. Review status: criteria provided, single submitter. Criteria: Invitae Variant Classification Sherloc (09022015). Collection method: clinical testing. Allele origin: germline.
Comment: This sequence change creates a premature translational stop signal (p.Gly208Alafs*44) in the PRPH2 gene. It is expected to result in an absent or disrupted protein product. Loss-of-function variants in PRPH2 are known to be pathogenic (PMID: 8111389, 8485575, 8485576, 8675410, 16916875, 17504850, 22863181, 25675413, 26061163, 27365499, 29555955, 33546218). This variant is not present in population databases (gnomAD no frequency). This variant has not been reported in the literature in individuals affected with PRPH2-related conditions. For these reasons, this variant has been classified as Pathogenic.

Literature cited by the submitters: PubMed 8111389; PubMed 8485575; PubMed 8485576; PubMed 8675410; PubMed 16916875; PubMed 17504850; PubMed 22863181; PubMed 25675413; PubMed 26061163; PubMed 27365499; PubMed 29555955; PubMed 33546218.

NM_000322.5(PRPH2):c.623_635del (p.Gly208fs)

Gene: PRPH2 (peripherin 2; minus strand). Cytogenetic location: 6p21.1.
Variant type: Deletion.
Coding change: c.623_635del on transcript NM_000322.5 (MANE Select); coding-DNA positions 623 to 635, 13 bases deleted (GCGTCCCTTTCAG).
Protein change: p.Gly208fs; shifts the reading frame from glycine 208.
Molecular consequence: frameshift variant.
Genome position (GRCh38, 1-based): chr6:42,704,558-42,704,570, CTGAAAGGGACGC deleted on the plus strand (GCGTCCCTTTCAG on the coding strand, the reverse complement: PRPH2 is on the minus strand); deleting any 13 consecutive bases within chr6:42,704,558-42,704,571 gives the same sequence; the c. name uses the placement nearest the transcript's 3' end. VCF-style (leftmost placement, unchanged base first): chr6-42704557-GCTGAAAGGGACGC-G. GRCh37 (hg19) VCF-style: chr6-42672295-GCTGAAAGGGACGC-G.
Other names: short protein forms G208fs.
Identifiers: ClinVar variation 4714766 (VCV004714766.1).